The following is an entry in ClinVar:

NM_001127222.2(CACNA1A):c.3002G>T (p.Arg1001Leu)

Gene: CACNA1A (calcium voltage-gated channel subunit alpha1 A; minus strand). Cytogenetic location: 19p13.13.
Variant type: single nucleotide variant.
Coding change: c.3002G>T on transcript NM_001127222.2 (MANE Select); coding-DNA position 3002, G replaced by T.
Protein change: p.Arg1001Leu; replaces arginine 1001 with leucine.
Molecular consequence: missense variant.
Genome position (GRCh38, 1-based): chr19:13,298,631, C>A on the plus strand (G>T on the coding strand, the complement: CACNA1A is on the minus strand). VCF-style: chr19-13298631-C-A. GRCh37 (hg19) VCF-style: chr19-13409445-C-A.
Other names: c.3014G>T, p.Arg1005Leu (NM_000068.4, NM_023035.3); c.3005G>T, p.Arg1002Leu (NM_001127221.2, NM_001174080.2); short protein forms R1001L, R1002L, R1005L.
Identifiers: ClinVar variation 995012 (VCV000995012.4), dbSNP rs1424294725, ClinGen allele CA404342274.

ClinVar aggregate classification (germline): Uncertain significance. Review status: criteria provided, multiple submitters, no conflicts (2 of 4 stars). 2 submissions from 2 submitters: Uncertain significance (2). Last evaluated 2024-10-07.

Conditions:
Developmental and epileptic encephalopathy, 42 (DEE42A). Also called: Epileptic encephalopathy, early infantile, 42; DEVELOPMENTAL AND EPILEPTIC ENCEPHALOPATHY 42A; EPILEPTIC ENCEPHALOPATHY, EARLY INFANTILE, 42A. Identifiers: MedGen C4310716, MONDO:0014917, OMIM 617106.
Episodic ataxia type 2 (EA2). Also called: ACETAZOLAMIDE-RESPONSIVE HEREDITARY PAROXYSMAL CEREBELLAR ATAXIA; ATAXIA, EPISODIC, WITH NYSTAGMUS; ATAXIA, FAMILIAL PAROXYSMAL; CEREBELLAR ATAXIA, PAROXYSMAL, ACETAZOLAMIDE-RESPONSIVE; CEREBELLOPATHY, HEREDITARY PAROXYSMAL; EPISODIC ATAXIA, NYSTAGMUS-ASSOCIATED. Identifiers: Orphanet 97, MedGen C1720416, MONDO:0007163, OMIM 108500.

gnomAD v4.1: 1 of 1,526,744 alleles (0.000065%); highest among the groups gnomAD compares: African/African-American, 0.0014%; no homozygotes.

Submissions (2):

Labcorp Genetics (formerly Invitae), Labcorp
Classification: Uncertain significance for Developmental and epileptic encephalopathy, 42; Episodic ataxia type 2. Last evaluated: 2024-10-07. Review status: criteria provided, single submitter. Criteria: Invitae Variant Classification Sherloc (09022015). Collection method: clinical testing. Allele origin: germline.
Comment: This sequence change replaces arginine, which is basic and polar, with leucine, which is neutral and non-polar, at codon 1002 of the CACNA1A protein (p.Arg1002Leu). This variant is not present in population databases (gnomAD no frequency). This variant has not been reported in the literature in individuals affected with CACNA1A-related conditions. ClinVar contains an entry for this variant (Variation ID: 995012). Invitae Evidence Modeling of protein sequence and biophysical properties (such as structural, functional, and spatial information, amino acid conservation, physicochemical variation, residue mobility, and thermodynamic stability) indicates that this missense variant is not expected to disrupt CACNA1A protein function with a negative predictive value of 95%. In summary, the available evidence is currently insufficient to determine the role of this variant in disease. Therefore, it has been classified as a Variant of Uncertain Significance.

Athena Diagnostics
Classification: Uncertain significance. Last evaluated: 2020-07-02. Review status: criteria provided, single submitter. Criteria: Athena Diagnostics Criteria. Collection method: clinical testing. Allele origin: unknown.